The following is an entry in ClinVar:

NM_001377.3(DYNC2H1):c.12109T>G (p.Ser4037Ala)

Gene: DYNC2H1 (dynein cytoplasmic 2 heavy chain 1; plus strand). Cytogenetic location: 11q22.3.
Variant type: single nucleotide variant.
Coding change: c.12109T>G on transcript NM_001377.3 (MANE Select); coding-DNA position 12109, T replaced by G.
Protein change: p.Ser4037Ala; replaces serine 4037 with alanine.
Molecular consequence: missense variant.
Genome position (GRCh38, 1-based): chr11:103,358,312, T>G. VCF-style: chr11-103358312-T-G. GRCh37 (hg19) VCF-style: chr11-103229040-T-G.
Other names: c.12130T>G, p.Ser4044Ala (NM_001080463.2); short protein forms S4044A, S4037A.
Identifiers: ClinVar variation 2158349 (VCV002158349.2), dbSNP rs960728960, ClinGen allele CA227423209.

ClinVar aggregate classification (germline): Uncertain significance. Review status: criteria provided, multiple submitters, no conflicts (2 of 4 stars). 2 submissions from 2 submitters: Uncertain significance (2). Last evaluated 2023-04-27.

Conditions:
Jeune thoracic dystrophy. Also called: Jeune syndrome; Infantile thoracic dystrophy; Thoracic pelvic phalangeal dystrophy; Jeune's syndrome; Chondroectodermal dysplasia-like syndrome; Short-rib thoracic dysplasia. Identifiers: Orphanet 474, MedGen C0265275, MONDO:0018770.
Asphyxiating thoracic dystrophy 3. Also called: Saldino-Noonan Syndrome; SHORT-RIB THORACIC DYSPLASIA 3 WITH OR WITHOUT POLYDACTYLY; POLYDACTYLY WITH NEONATAL CHONDRODYSTROPHY, TYPE I; SHORT-RIB THORACIC DYSPLASIA 3/6 WITH POLYDACTYLY, DIGENIC; Short rib polydactyly syndrome 2B. Identifiers: Orphanet 474, Orphanet 93269, Orphanet 93270, Orphanet 93271, MedGen C0036069, MONDO:0013127, OMIM 613091.

Allele frequency attached by ClinVar (database versions not stated): gnomAD exomes 0.00001; TOPMed 0.00002; gnomAD 0.00003.
gnomAD v4.1: 15 of 1,589,946 alleles (0.00094%); no homozygotes.

Submissions (2):

ARUP Laboratories, Molecular Genetics and Genomics, ARUP Laboratories
Classification: Uncertain significance for Asphyxiating thoracic dystrophy 3. Last evaluated: 2023-04-27. Review status: criteria provided, single submitter. Criteria: ARUP Molecular Germline Variant Investigation Process 2024. Collection method: clinical testing. Allele origin: germline.
Comment: The DYNC2H1 c.12130T>G; p.Ser4044Ala variant (rs960728960), to our knowledge, is not reported in the medical literature but is reported in ClinVar (Variation ID: 2158349). This variant is observed in the general population with an overall allele frequency of 0.002% (5/213232 alleles) in the Genome Aggregation Database. Computational analyses predict that this variant is neutral (REVEL: 0.119). Due to limited information, the clinical significance of this variant is uncertain at this time.

Labcorp Genetics (formerly Invitae), Labcorp
Classification: Uncertain significance for Jeune thoracic dystrophy. Last evaluated: 2022-01-01. Review status: criteria provided, single submitter. Criteria: Invitae Variant Classification Sherloc (09022015). Collection method: clinical testing. Allele origin: germline.
Comment: This sequence change replaces serine, which is neutral and polar, with alanine, which is neutral and non-polar, at codon 4044 of the DYNC2H1 protein (p.Ser4044Ala). This variant is present in population databases (no rsID available, gnomAD 0.04%). This variant has not been reported in the literature in individuals affected with DYNC2H1-related conditions. Advanced modeling of protein sequence and biophysical properties (such as structural, functional, and spatial information, amino acid conservation, physicochemical variation, residue mobility, and thermodynamic stability) performed at Invitae indicates that this missense variant is not expected to disrupt DYNC2H1 protein function. In summary, the available evidence is currently insufficient to determine the role of this variant in disease. Therefore, it has been classified as a Variant of Uncertain Significance.